The following is an entry in ClinVar:

ClinVar aggregate classification (germline): Pathogenic (1 of 4 stars; one submission).

Allele frequency attached by ClinVar (database versions not stated): gnomAD exomes below 0.00001.
gnomAD v4.1: 1 of 1,613,830 alleles (0.000062%); highest among the groups gnomAD compares: Non-Finnish European, 0.000085%; no homozygotes.

Submission:

Labcorp Genetics (formerly Invitae), Labcorp
Classification: Pathogenic. Last evaluated: 2023-08-30. Review status: criteria provided, single submitter. Criteria: Invitae Variant Classification Sherloc (09022015). Collection method: clinical testing. Allele origin: germline.
Comment: For these reasons, this variant has been classified as Pathogenic. ClinVar contains an entry for this variant (Variation ID: 2031049). This variant has not been reported in the literature in individuals affected with ACO2-related conditions. This variant is not present in population databases (gnomAD no frequency). This sequence change creates a premature translational stop signal (p.Gln638*) in the ACO2 gene. It is expected to result in an absent or disrupted protein product. Loss-of-function variants in ACO2 are known to be pathogenic (PMID: 30689204, 32519519).

Literature cited by the submitters: PubMed 30689204; PubMed 32519519.

NM_001098.3(ACO2):c.1912C>T (p.Gln638Ter)

Genes: ACO2 (aconitase 2; plus strand), POLR3H (RNA polymerase III subunit H; minus strand). Cytogenetic location: 22q13.2.
Variant type: single nucleotide variant.
Coding change: c.1912C>T on transcript NM_001098.3 (MANE Select); coding-DNA position 1912, C replaced by T.
Protein change: p.Gln638Ter; replaces glutamine 638 with a stop codon.
Molecular consequence: nonsense. On other transcripts: 3 prime UTR variant (5).
Genome position (GRCh38, 1-based): chr22:41,526,412, C>T. VCF-style: chr22-41526412-C-T. GRCh37 (hg19) VCF-style: chr22-41922416-C-T.
Other names: c.*2871G>A (NM_001018050.4, NM_001018052.4, NM_001282884.2 and 2 more transcripts); short protein forms Q638*.
Identifiers: ClinVar variation 2031049 (VCV002031049.4), dbSNP rs2518236599, ClinGen allele CA411728651.